The following is an entry in ClinVar:

NM_018163.3(DNAJC17):c.296-14A>G

Gene: DNAJC17 (DnaJ heat shock protein family (Hsp40) member C17; minus strand). Cytogenetic location: 15q15.1.
Variant type: single nucleotide variant.
Coding change: c.296-14A>G on transcript NM_018163.3 (MANE Select); 14 bases into the intron before coding-DNA position 296, A replaced by G.
Molecular consequence: intron variant.
Genome position (GRCh38, 1-based): chr15:40,776,641, T>C on the plus strand (A>G on the coding strand, the complement: DNAJC17 is on the minus strand). VCF-style: chr15-40776641-T-C. GRCh37 (hg19) VCF-style: chr15-41068839-T-C.
Identifiers: ClinVar variation 1932662 (VCV001932662.5), dbSNP rs1004495752, ClinGen allele CA268856741.

ClinVar aggregate classification (germline): Uncertain significance (1 of 4 stars; one submission).

Allele frequency attached by ClinVar (database versions not stated): gnomAD exomes below 0.00001; gnomAD 0.00001.
gnomAD v4.1: 7 of 1,613,442 alleles (0.00043%); highest among the groups gnomAD compares: African/African-American, 0.008%; no homozygotes.

Submission:

Labcorp Genetics (formerly Invitae), Labcorp
Classification: Uncertain significance. Last evaluated: 2023-05-11. Review status: criteria provided, single submitter. Criteria: Invitae Variant Classification Sherloc (09022015). Collection method: clinical testing. Allele origin: germline.
Comment: In summary, the available evidence is currently insufficient to determine the role of this variant in disease. Therefore, it has been classified as a Variant of Uncertain Significance. Algorithms developed to predict the effect of sequence changes on RNA splicing suggest that this variant may create or strengthen a splice site. ClinVar contains an entry for this variant (Variation ID: 1932662). This variant has not been reported in the literature in individuals affected with DNAJC17-related conditions. This variant is present in population databases (no rsID available, gnomAD 0.007%). This sequence change falls in intron 4 of the DNAJC17 gene. It does not directly change the encoded amino acid sequence of the DNAJC17 protein.